The following is an entry in ClinVar:

ClinVar aggregate classification (germline): Uncertain significance (1 of 4 stars; one submission).

Conditions:
Blau syndrome (BLAUS). Also called: GRANULOMATOSIS, FAMILIAL JUVENILE SYSTEMIC; GRANULOMATOSIS, FAMILIAL, BLAU TYPE; GRANULOMATOUS INFLAMMATORY ARTHRITIS, DERMATITIS, AND UVEITIS, FAMILIAL; JABS SYNDROME; ARTHROCUTANEOUVEAL GRANULOMATOSIS. Identifiers: Orphanet 90340, MedGen C5201146, MONDO:0008523, OMIM 186580.
Regional enteritis. Also called: Enteritis, Granulomatous. Identifiers: MedGen C0678202, MeSH D003424.

Submission:

Labcorp Genetics (formerly Invitae), Labcorp
Classification: Uncertain significance for Regional enteritis; Blau syndrome. Last evaluated: 2024-12-31. Review status: criteria provided, single submitter. Criteria: Invitae Variant Classification Sherloc (09022015). Collection method: clinical testing. Allele origin: germline.
Comment: This sequence change replaces glutamic acid, which is acidic and polar, with lysine, which is basic and polar, at codon 300 of the NOD2 protein (p.Glu300Lys). This variant is not present in population databases (gnomAD no frequency). This variant has not been reported in the literature in individuals affected with NOD2-related conditions. Invitae Evidence Modeling of protein sequence and biophysical properties (such as structural, functional, and spatial information, amino acid conservation, physicochemical variation, residue mobility, and thermodynamic stability) indicates that this missense variant is not expected to disrupt NOD2 protein function with a negative predictive value of 95%. Algorithms developed to predict the effect of sequence changes on RNA splicing suggest that this variant may create or strengthen a splice site. In summary, the available evidence is currently insufficient to determine the role of this variant in disease. Therefore, it has been classified as a Variant of Uncertain Significance.

NM_001370466.1(NOD2):c.817G>A (p.Glu273Lys)

Gene: NOD2 (nucleotide binding oligomerization domain containing 2; plus strand). Cytogenetic location: 16q12.1.
Variant type: single nucleotide variant.
Coding change: c.817G>A on transcript NM_001370466.1 (MANE Select); coding-DNA position 817, G replaced by A.
Protein change: p.Glu273Lys; replaces glutamic acid 273 with lysine.
Molecular consequence: missense variant. On other transcripts: non-coding transcript variant (1).
Genome position (GRCh38, 1-based): chr16:50,710,809, G>A. VCF-style: chr16-50710809-G-A. GRCh37 (hg19) VCF-style: chr16-50744720-G-A.
Other names: c.817G>A, p.Glu273Lys (NM_001293557.2); c.898G>A, p.Glu300Lys (NM_022162.3); short protein forms E273K, E300K.
Identifiers: ClinVar variation 3749373 (VCV003749373.2).